The following is an entry in ClinVar:

ClinVar aggregate classification (germline): Pathogenic/Likely pathogenic. Review status: criteria provided, multiple submitters, no conflicts (2 of 4 stars). 5 submissions from 5 submitters: Pathogenic (3); Likely pathogenic (1). 1 of the submissions does not count toward it. Last evaluated 2024-05-14.

Conditions:
Fetal akinesia deformation sequence 2. Identifiers: MedGen C4760576, MONDO:0100102, OMIM 618388.
RAPSN-related disorder. Also called: RAPSN-related condition; RAPSN-related disorders. Identifiers: MedGen CN239397.
Congenital myasthenic syndrome 11. Also called: Myasthenic syndrome, congenital, 11, associated with acetylcholine receptor deficiency; MYASTHENIC SYNDROME, CONGENITAL, Ie. Identifiers: Orphanet 590, MedGen C4225367, MONDO:0014588, OMIM 616326.
Fetal akinesia deformation sequence 1 (FADS1). Also called: Fetal akinesia sequence; Pena-Shokeir syndrome type I. Identifiers: Orphanet 994, MedGen C1276035, MONDO:0100101, OMIM 208150, HP:0001989.

Submissions (5):

Myriad Genetics, Inc.
Classification: Pathogenic for RAPSN-related disorder. Last evaluated: 2024-05-14. Review status: criteria provided, single submitter. Criteria: Myriad Autosomal Dominant, Autosomal Recessive and X-Linked Classification Criteria (2023). Collection method: clinical testing. Allele origin: unknown.
Comment: NM_005055.4(RAPSN):c.549_553dup5(F185Cfs*20) is expected to be pathogenic in the context of RAPSN-related disorders. This variant is predicted to lead to an abnormal or absent protein product due to the creation of a premature termination codon in RAPSN, a gene where loss-of-function variants are known to be pathogenic. Please note: this variant was assessed in the context of healthy population screening.

Baylor Genetics
Classification: Pathogenic for Fetal akinesia deformation sequence 2. Last evaluated: 2024-03-10. Review status: criteria provided, single submitter. Criteria: ACMG Guidelines, 2015. Collection method: clinical testing. Allele origin: unknown.

PreventionGenetics, part of Exact Sciences
Classification: Likely pathogenic for RAPSN-related condition. Last evaluated: 2022-11-15. Review status: criteria provided, single submitter. Criteria: ACMG Guidelines, 2015. Collection method: clinical testing. Allele origin: germline.
Comment: The RAPSN c.549_553dup5 variant is predicted to result in a frameshift and premature protein termination (p.Phe185Cysfs*20). This variant was reported in the compound heterozygous state in patients with congenital myasthenic syndrome (variant referred to as 553ins5 in Patient 4, Ohno et al. 2002. PubMed ID: 11791205; variant referred to as 551ins5 in patients 2 and 5, Burke et al. 2003. PubMed ID: 14504330). Functional analysis showed that this variant impacted recruitment of the acetylcholine receptor to rapsyn clusters (Ohno et al. 2002. PubMed ID: 11791205). This variant has not been reported in a large population database, indicating this variant is rare. Frameshift variants in RAPSN are expected to be pathogenic. This variant is interpreted as likely pathogenic.

Labcorp Genetics (formerly Invitae), Labcorp
Classification: Pathogenic for Congenital myasthenic syndrome 11; Fetal akinesia deformation sequence 1. Last evaluated: 2022-11-03. Review status: criteria provided, single submitter. Criteria: Invitae Variant Classification Sherloc (09022015). Collection method: clinical testing. Allele origin: germline.
Comment: For these reasons, this variant has been classified as Pathogenic. Algorithms developed to predict the effect of sequence changes on RNA splicing suggest that this variant may create or strengthen a splice site. Experimental studies have shown that this premature translational stop signal affects RAPSN function (PMID: 11791205). Algorithms developed to predict the effect of variants on protein structure and function are not available or were not evaluated for this variant. ClinVar contains an entry for this variant (Variation ID: 8048). This premature translational stop signal has been observed in individual(s) with congenital myasthenic syndrome (PMID: 11791205). In at least one individual the data is consistent with being in trans (on the opposite chromosome) from a pathogenic variant. This variant is not present in population databases (gnomAD no frequency). This sequence change creates a premature translational stop signal (p.Phe185Cysfs*20) in the RAPSN gene. It is expected to result in an absent or disrupted protein product. Loss-of-function variants in RAPSN are known to be pathogenic (PMID: 17686188).

OMIM
Classification: Pathogenic for MYASTHENIC SYNDROME, CONGENITAL, 11, ASSOCIATED WITH ACETYLCHOLINE RECEPTOR DEFICIENCY. Last evaluated: 2002-04-01. Review status: no assertion criteria provided. Collection method: literature only. Allele origin: germline. Not counted in ClinVar's aggregate classification.

Literature cited by the submitters: PubMed 11791205 (cited by Labcorp Genetics (formerly Invitae), Labcorp and OMIM); PubMed 17686188 (cited by Labcorp Genetics (formerly Invitae), Labcorp).

NM_005055.5(RAPSN):c.549_553dup (p.Phe185fs)

Gene: RAPSN (receptor associated protein of the synapse; minus strand). Cytogenetic location: 11p11.2.
Variant type: Duplication.
Coding change: c.549_553dup on transcript NM_005055.5 (MANE Select); coding-DNA positions 549 to 553, 5 bases duplicated (GTTCT; older notation c.549_553dupGTTCT).
Protein change: p.Phe185fs; shifts the reading frame from phenylalanine 185.
Molecular consequence: frameshift variant.
Genome position (GRCh38, 1-based): chr11:47,442,793-47,442,797, AGAAC duplicated on the plus strand (GTTCT on the coding strand, the reverse complement: RAPSN is on the minus strand); duplicating any 5 consecutive bases within chr11:47,442,793-47,442,799 gives the same sequence; the c. name uses the placement nearest the transcript's 3' end. VCF-style (leftmost placement, unchanged base first): chr11-47442792-A-AAGAAC. GRCh37 (hg19) VCF-style: chr11-47464344-A-AAGAAC.
Other names: c.549_553dup, p.Phe185fs (NM_032645.5); c.549_553dup5 (NM_005055.4); short protein forms F185fs.
Identifiers: ClinVar variation 8048 (VCV000008048.9), dbSNP rs786200904, ClinGen allele CA212885.